The following is an entry in ClinVar:

ClinVar aggregate classification (germline): Uncertain significance (1 of 4 stars; one submission).

Conditions:
Deficiency of butyryl-CoA dehydrogenase (ACADSD). Also called: ACADS DEFICIENCY; SCADH DEFICIENCY; ACYL-CoA DEHYDROGENASE, SHORT-CHAIN, DEFICIENCY OF; SCAD DEFICIENCY, MILD; SCAD Deficiency; Short-Chain Acyl-CoA Dehydrogenase Deficiency. Identifiers: Orphanet 26792, MedGen C0342783, MONDO:0008722, OMIM 201470. Disease mechanism: May be benign.

Allele frequency attached by ClinVar (database versions not stated): gnomAD 0.00001; TOPMed 0.00002.
gnomAD v4.1: 6 of 1,613,604 alleles (0.00037%); highest among the groups gnomAD compares: African/African-American, 0.0013%; no homozygotes.

Submission:

Labcorp Genetics (formerly Invitae), Labcorp
Classification: Uncertain significance for Deficiency of butyryl-CoA dehydrogenase. Last evaluated: 2022-11-01. Review status: criteria provided, single submitter. Criteria: Invitae Variant Classification Sherloc (09022015). Collection method: clinical testing. Allele origin: germline.
Comment: This variant has not been reported in the literature in individuals affected with ACADS-related conditions. ClinVar contains an entry for this variant (Variation ID: 643722). Algorithms developed to predict the effect of missense changes on protein structure and function output the following: SIFT: "Tolerated"; PolyPhen-2: "Benign"; Align-GVGD: "Class C0". The lysine amino acid residue is found in multiple mammalian species, which suggests that this missense change does not adversely affect protein function. In summary, the available evidence is currently insufficient to determine the role of this variant in disease. Therefore, it has been classified as a Variant of Uncertain Significance. This variant is not present in population databases (gnomAD no frequency). This sequence change replaces asparagine, which is neutral and polar, with lysine, which is basic and polar, at codon 337 of the ACADS protein (p.Asn337Lys).

NM_000017.4(ACADS):c.1011C>G (p.Asn337Lys)

Gene: ACADS (acyl-CoA dehydrogenase short chain; plus strand). Cytogenetic location: 12q24.31.
Variant type: single nucleotide variant.
Coding change: c.1011C>G on transcript NM_000017.4 (MANE Select); coding-DNA position 1011, C replaced by G.
Protein change: p.Asn337Lys; replaces asparagine 337 with lysine.
Molecular consequence: missense variant.
Genome position (GRCh38, 1-based): chr12:120,738,897, C>G. VCF-style: chr12-120738897-C-G. GRCh37 (hg19) VCF-style: chr12-121176700-C-G.
Other names: c.999C>G, p.Asn333Lys (NM_001302554.2); short protein forms N333K, N337K.
Identifiers: ClinVar variation 643722 (VCV000643722.7), dbSNP rs200346345, ClinGen allele CA386601575.